The following is an entry in ClinVar:

NM_201253.3(CRB1):c.2213G>C (p.Ser738Thr)

Gene: CRB1 (crumbs cell polarity complex component 1; plus strand). Cytogenetic location: 1q31.3.
Variant type: single nucleotide variant.
Coding change: c.2213G>C on transcript NM_201253.3 (MANE Select); coding-DNA position 2213, G replaced by C.
Protein change: p.Ser738Thr; replaces serine 738 with threonine.
Molecular consequence: missense variant. On other transcripts: non-coding transcript variant (2), intron variant (1).
Genome position (GRCh38, 1-based): chr1:197,427,538, G>C. VCF-style: chr1-197427538-G-C. GRCh37 (hg19) VCF-style: chr1-197396668-G-C.
Other names: c.1877G>C, p.Ser626Thr (NM_001193640.2); c.2006G>C, p.Ser669Thr (NM_001257965.2); c.2128+5582G>C (NM_001257966.2); short protein forms S669T, S738T, S626T.
Identifiers: ClinVar variation 4984189 (VCV004984189.1).

ClinVar aggregate classification (germline): Uncertain significance (1 of 4 stars; one submission).

Conditions:
CRB1-related disorder. Also called: CRB1-related disorders; CRB1-related condition.

gnomAD v4.1: 1 of 1,613,850 alleles (0.000062%); highest among the groups gnomAD compares: Admixed American, 0.0017%; no homozygotes.

Submission:

PreventionGenetics, part of Exact Sciences
Classification: Uncertain significance for CRB1-related condition. Last evaluated: 2026-02-25. Review status: criteria provided, single submitter. Criteria: ACMG Guidelines, 2015. Collection method: clinical testing. Allele origin: germline.
Comment: The CRB1 c.2213G>C variant is predicted to result in the amino acid substitution p.Ser738Thr. To our knowledge, this variant has not been reported in the literature. This variant is reported in 0.0029% of alleles in individuals of Latino descent in gnomAD. At this time, the clinical significance of this variant is uncertain due to the absence of conclusive functional and genetic evidence.